The following is an entry in ClinVar:

NM_005477.3(HCN4):c.1738-18A>G

Gene: HCN4 (hyperpolarization activated cyclic nucleotide gated potassium channel 4; minus strand). Cytogenetic location: 15q24.1.
Variant type: single nucleotide variant.
Coding change: c.1738-18A>G on transcript NM_005477.3 (MANE Select); 18 bases into the intron before coding-DNA position 1738, A replaced by G.
Molecular consequence: intron variant.
Genome position (GRCh38, 1-based): chr15:73,325,213, T>C on the plus strand (A>G on the coding strand, the complement: HCN4 is on the minus strand). VCF-style: chr15-73325213-T-C. GRCh37 (hg19) VCF-style: chr15-73617554-T-C.
Identifiers: ClinVar variation 1496943 (VCV001496943.6), dbSNP rs2151215522, ClinGen allele CA2573151090.

ClinVar aggregate classification (germline): Uncertain significance (1 of 4 stars; one submission).

Conditions:
Brugada syndrome 8 (BRGDA8). Identifiers: Orphanet 130, MedGen C2751083, MONDO:0013148, OMIM 613123.

gnomAD v4.1: 1 of 1,613,980 alleles (0.000062%); highest among the groups gnomAD compares: Non-Finnish European, 0.000085%; no homozygotes.

Submission:

Labcorp Genetics (formerly Invitae), Labcorp
Classification: Uncertain significance for Brugada syndrome 8. Last evaluated: 2021-08-05. Review status: criteria provided, single submitter. Criteria: Invitae Variant Classification Sherloc (09022015). Collection method: clinical testing. Allele origin: germline.
Comment: In summary, the available evidence is currently insufficient to determine the role of this variant in disease. Therefore, it has been classified as a Variant of Uncertain Significance. Algorithms developed to predict the effect of sequence changes on RNA splicing suggest that this variant may create or strengthen a splice site. This variant has not been reported in the literature in individuals affected with HCN4-related conditions. This variant is not present in population databases (ExAC no frequency). This sequence change falls in intron 5 of the HCN4 gene. It does not directly change the encoded amino acid sequence of the HCN4 protein.